The following is an entry in ClinVar:

ClinVar aggregate classification (germline): Uncertain significance (1 of 4 stars; one submission).

Submission:

Ambry Genetics
Classification: Uncertain significance. Last evaluated: 2026-04-18. Review status: criteria provided, single submitter. Criteria: Ambry Variant Classification Scheme 2023. Collection method: clinical testing. Allele origin: germline.
Comment: The p.V312M variant (also known as c.934G>A), located in coding exon 1 of the MC1R gene, results from a G to A substitution at nucleotide position 934. The valine at codon 312 is replaced by methionine, an amino acid with highly similar properties. This amino acid position is conserved. In addition, this alteration is predicted to be tolerated by in silico analysis. Based on the available evidence, the clinical significance of this variant remains unclear.

NM_002386.4(MC1R):c.934G>A (p.Val312Met)

Gene: MC1R (melanocortin 1 receptor; plus strand). Cytogenetic location: 16q24.3.
Variant type: single nucleotide variant.
Coding change: c.934G>A on transcript NM_002386.4 (MANE Select); coding-DNA position 934, G replaced by A.
Protein change: p.Val312Met; replaces valine 312 with methionine.
Molecular consequence: missense variant.
Genome position (GRCh38, 1-based): chr16:89,920,192, G>A. VCF-style: chr16-89920192-G-A. GRCh37 (hg19) VCF-style: chr16-89986600-G-A.
Other names: short protein forms V312M.
Identifiers: ClinVar variation 4859655 (VCV004859655.1).